The following is an entry in ClinVar:

ClinVar aggregate classification (germline): Pathogenic (1 of 4 stars; one submission).

Submission:

Labcorp Genetics (formerly Invitae), Labcorp
Classification: Pathogenic. Last evaluated: 2023-05-15. Review status: criteria provided, single submitter. Criteria: Invitae Variant Classification Sherloc (09022015). Collection method: clinical testing. Allele origin: germline.
Comment: This sequence change creates a premature translational stop signal (p.Gln111*) in the TYMP gene. It is expected to result in an absent or disrupted protein product. Loss-of-function variants in TYMP are known to be pathogenic (PMID: 9924029, 15781193). This variant is not present in population databases (gnomAD no frequency). This variant has not been reported in the literature in individuals affected with TYMP-related conditions. Algorithms developed to predict the effect of sequence changes on RNA splicing suggest that this variant may disrupt the consensus splice site. For these reasons, this variant has been classified as Pathogenic.

Literature cited by the submitters: PubMed 9924029; PubMed 15781193.

NM_001953.5(TYMP):c.331C>T (p.Gln111Ter)

Gene: TYMP (thymidine phosphorylase; minus strand). Cytogenetic location: 22q13.33.
Variant type: single nucleotide variant.
Coding change: c.331C>T on transcript NM_001953.5 (MANE Select); coding-DNA position 331, C replaced by T.
Protein change: p.Gln111Ter; replaces glutamine 111 with a stop codon.
Molecular consequence: nonsense.
Genome position (GRCh38, 1-based): chr22:50,529,222, G>A on the plus strand (C>T on the coding strand, the complement: TYMP is on the minus strand). VCF-style: chr22-50529222-G-A. GRCh37 (hg19) VCF-style: chr22-50967651-G-A.
Other names: c.331C>T, p.Gln111Ter (NM_001113755.3, NM_001113756.3, NM_001257988.1 and 1 more transcripts); short protein forms Q111*.
Identifiers: ClinVar variation 2864339 (VCV002864339.3), dbSNP rs2522546653, ClinGen allele CA412202070.